The following is an entry in ClinVar:

NM_025233.7(COASY):c.557A>G (p.Gln186Arg)

Gene: COASY (Coenzyme A synthase; plus strand). Cytogenetic location: 17q21.2.
Variant type: single nucleotide variant.
Coding change: c.557A>G on transcript NM_025233.7 (MANE Select); coding-DNA position 557, A replaced by G.
Protein change: p.Gln186Arg; replaces glutamine 186 with arginine.
Molecular consequence: missense variant.
Genome position (GRCh38, 1-based): chr17:42,563,179, A>G. VCF-style: chr17-42563179-A-G. GRCh37 (hg19) VCF-style: chr17-40715197-A-G.
Other names: c.557A>G, p.Gln186Arg (NM_001042529.3); c.644A>G, p.Gln215Arg (NM_001042532.4); c.644A>G (NM_001042532.2); short protein forms Q186R, Q215R.
Identifiers: ClinVar variation 842604 (VCV000842604.11), dbSNP rs375799916, ClinGen allele CA8578002.

ClinVar aggregate classification (germline): Uncertain significance. Review status: criteria provided, multiple submitters, no conflicts (2 of 4 stars). 3 submissions from 3 submitters: Uncertain significance (3). Last evaluated 2025-12-29.

Conditions:
Neurodegeneration with brain iron accumulation 6 (NBIA6). Also called: COASY protein-associated neurodegeneration. Identifiers: Orphanet 397725, MedGen C4517377, MONDO:0014290, OMIM 615643.

Allele frequency attached by ClinVar (database versions not stated): gnomAD exomes 0.00003 and 0.00004; TOPMed 0.00004; ExAC 0.00005; gnomAD 0.00006; ESP Exome Variant Server 0.00008.

Submissions (3):

Labcorp Genetics (formerly Invitae), Labcorp
Classification: Uncertain significance for Neurodegeneration with brain iron accumulation 6. Last evaluated: 2025-12-29. Review status: criteria provided, single submitter. Criteria: Invitae Variant Classification Sherloc (09022015). Collection method: clinical testing. Allele origin: germline.
Comment: This sequence change replaces glutamine, which is neutral and polar, with arginine, which is basic and polar, at codon 186 of the COASY protein (p.Gln186Arg). This variant is present in population databases (rs375799916, gnomAD 0.01%). This variant has not been reported in the literature in individuals affected with COASY-related conditions. ClinVar contains an entry for this variant (Variation ID: 842604). Invitae Evidence Modeling of protein sequence and biophysical properties (such as structural, functional, and spatial information, amino acid conservation, physicochemical variation, residue mobility, and thermodynamic stability) indicates that this missense variant is not expected to disrupt COASY protein function with a negative predictive value of 80%. In summary, the available evidence is currently insufficient to determine the role of this variant in disease. Therefore, it has been classified as a Variant of Uncertain Significance.

GeneDx
Classification: Uncertain significance. Last evaluated: 2025-02-07. Review status: criteria provided, single submitter. Criteria: GeneDx Variant Classification Process June 2021. Collection method: clinical testing. Allele origin: germline. Affected: yes.
Comment: Not observed at significant frequency in large population cohorts (gnomAD); In silico analysis indicates that this missense variant does not alter protein structure/function; Has not been previously published as pathogenic or benign to our knowledge

Ambry Genetics
Classification: Uncertain significance. Last evaluated: 2022-03-18. Review status: criteria provided, single submitter. Criteria: Ambry Variant Classification Scheme 2023. Collection method: clinical testing. Allele origin: germline.